The following is an entry in ClinVar:

ClinVar aggregate classification (germline): Uncertain significance (1 of 4 stars; one submission).

Allele frequency attached by ClinVar (database versions not stated): ExAC 0.00002; gnomAD exomes 0.00002 and 0.00004; ESP Exome Variant Server 0.00008; gnomAD 0.00009; TOPMed 0.00012.
gnomAD v4.1: 49 of 1,613,976 alleles (0.003%); highest among the groups gnomAD compares: African/African-American, 0.029%; no homozygotes.

Submission:

Labcorp Genetics (formerly Invitae), Labcorp
Classification: Uncertain significance. Last evaluated: 2024-07-17. Review status: criteria provided, single submitter. Criteria: Invitae Variant Classification Sherloc (09022015). Collection method: clinical testing. Allele origin: germline.
Comment: This sequence change creates a premature translational stop signal (p.Arg73*) in the OAS1 gene. It is expected to result in an absent or disrupted protein product. However, the current clinical and genetic evidence is not sufficient to establish whether loss-of-function variants in OAS1 cause disease. This variant is present in population databases (rs147431531, gnomAD 0.03%), including at least one homozygous and/or hemizygous individual. This variant has not been reported in the literature in individuals affected with OAS1-related conditions. ClinVar contains an entry for this variant (Variation ID: 1502149). In summary, the available evidence is currently insufficient to determine the role of this variant in disease. Therefore, it has been classified as a Variant of Uncertain Significance.

NM_016816.4(OAS1):c.217C>T (p.Arg73Ter)

Gene: OAS1 (2'-5'-oligoadenylate synthetase 1; plus strand). Cytogenetic location: 12q24.13.
Variant type: single nucleotide variant.
Coding change: c.217C>T on transcript NM_016816.4 (MANE Select); coding-DNA position 217, C replaced by T.
Protein change: p.Arg73Ter; replaces arginine 73 with a stop codon.
Molecular consequence: nonsense.
Genome position (GRCh38, 1-based): chr12:112,908,572, C>T. VCF-style: chr12-112908572-C-T. GRCh37 (hg19) VCF-style: chr12-113346377-C-T.
Other names: c.217C>T, p.Arg73Ter (NM_001032409.3, NM_001320151.2, NM_002534.4); short protein forms R73*.
Identifiers: ClinVar variation 1502149 (VCV001502149.5), dbSNP rs147431531, ClinGen allele CA6799720.